The following is an entry in ClinVar:

NM_198578.4(LRRK2):c.2871T>A (p.Asp957Glu)

Gene: LRRK2 (leucine rich repeat kinase 2; plus strand). Cytogenetic location: 12q12.
Variant type: single nucleotide variant.
Coding change: c.2871T>A on transcript NM_198578.4 (MANE Select); coding-DNA position 2871, T replaced by A.
Protein change: p.Asp957Glu; replaces aspartic acid 957 with glutamic acid.
Molecular consequence: missense variant.
Genome position (GRCh38, 1-based): chr12:40,294,907, T>A. VCF-style: chr12-40294907-T-A. GRCh37 (hg19) VCF-style: chr12-40688709-T-A.
Other names: short protein forms D957E.
Identifiers: ClinVar variation 1797060 (VCV001797060.3), dbSNP rs751622869, ClinGen allele CA6513759.

ClinVar aggregate classification (germline): Uncertain significance (1 of 4 stars; one submission).

Conditions:
Inborn genetic diseases. Identifiers: MedGen C0950123, MeSH D030342.

Allele frequency attached by ClinVar (database versions not stated): gnomAD exomes below 0.00001; ExAC 0.00001.
gnomAD v4.1: 3 of 1,529,974 alleles (0.0002%); highest among the groups gnomAD compares: Non-Finnish European, 0.00027%; no homozygotes.

Submission:

Ambry Genetics
Classification: Uncertain significance for Inborn genetic diseases. Last evaluated: 2024-05-25. Review status: criteria provided, single submitter. Criteria: Ambry Variant Classification Scheme 2023. Collection method: clinical testing. Allele origin: germline.
Comment: The p.D957E variant (also known as c.2871T>A), located in coding exon 22 of the LRRK2 gene, results from a T to A substitution at nucleotide position 2871. The aspartic acid at codon 957 is replaced by glutamic acid, an amino acid with highly similar properties. This amino acid position is conserved. In addition, this alteration is predicted to be tolerated by in silico analysis. Since supporting evidence is limited at this time, the clinical significance of this alteration remains unclear.